The following is an entry in ClinVar:

NM_022725.4(FANCF):c.690del (p.Gly231fs)

Gene: FANCF (FA complementation group F; minus strand). Cytogenetic location: 11p14.3.
Variant type: Deletion.
Coding change: c.690del on transcript NM_022725.4 (MANE Select); coding-DNA position 690, one base deleted (T; older notation c.690delT).
Protein change: p.Gly231fs; shifts the reading frame from glycine 231.
Molecular consequence: frameshift variant.
Genome position (GRCh38, 1-based): chr11:22,625,121, A deleted on the plus strand (T on the coding strand, the reverse complement: FANCF is on the minus strand). VCF-style (leftmost placement, unchanged base first): chr11-22625120-CA-C. GRCh37 (hg19) VCF-style: chr11-22646666-CA-C.
Other names: c.690delT (NM_022725.3); short protein forms G231fs.
Identifiers: ClinVar variation 208581 (VCV000208581.8), dbSNP rs747622521, ClinGen allele CA276003.

ClinVar aggregate classification (germline): Likely pathogenic. Review status: criteria provided, multiple submitters, no conflicts (2 of 4 stars). 2 submissions from 2 submitters: Likely pathogenic (2). Last evaluated 2022-05-10.

Conditions:
Fanconi anemia complementation group F. Also called: FANCF-Related Fanconi Anemia. Identifiers: Orphanet 84, MedGen C3469526, MONDO:0011325, OMIM 603467.
Fanconi anemia (FA). Also called: Fanconi's anemia. Identifiers: Orphanet 84, MedGen C0015625, MeSH D005199, MONDO:0019391.

Allele frequency attached by ClinVar (database versions not stated): ExAC 0.00001; gnomAD 0.00001; gnomAD exomes 0.00001 and 0.00002; TOPMed 0.00001.

Submissions (2):

Labcorp Genetics (formerly Invitae), Labcorp
Classification: Likely pathogenic for Fanconi anemia. Last evaluated: 2022-05-10. Review status: criteria provided, single submitter. Criteria: Invitae Variant Classification Sherloc (09022015). Collection method: clinical testing. Allele origin: germline.
Comment: This variant has not been reported in the literature in individuals affected with FANCF-related conditions. In summary, the currently available evidence indicates that the variant is pathogenic, but additional data are needed to prove that conclusively. Therefore, this variant has been classified as Likely Pathogenic. This variant disrupts the C-terminus of the FANCF protein, which is important for proper protein interaction of the FA complex. Experimental studies have shown that disruption of the C-terminus affects FANCF protein function (PMID: 12649160, 11063725, 15262960, 17082180). ClinVar contains an entry for this variant (Variation ID: 208581). This variant is present in population databases (rs747622521, gnomAD 0.002%). This sequence change creates a premature translational stop signal (p.Gly231Glufs*7) in the FANCF gene. While this is not anticipated to result in nonsense mediated decay, it is expected to disrupt the last 144 amino acid(s) of the FANCF protein.

Laboratory for Molecular Medicine, Mass General Brigham Personalized Medicine
Classification: Likely pathogenic for Fanconi anemia, complementation group F. Last evaluated: 2014-12-05. Review status: criteria provided, single submitter. Criteria: LMM Criteria. Collection method: clinical testing. Allele origin: germline. Inheritance: Autosomal recessive inheritance. Observed: 1 variant allele. Study: CSER-MedSeq.
Comment: The p.Gly231GlufsX7 variant in FANCF has not been previously reported in individuals with Fanconi anemia and data from large population studies is insufficient to assess the frequency of this variant. This variant is predicted to cause a frameshift, which alters the protein’s amino acid sequence beginning at position 231 and leads to a premature termination codon 7 amino acids downstream. This alteration is then predicted to lead to a truncated or absent protein. Complete loss of FANCF function has been identified in several individuals with Fanconi anemia (complementation group F; de Winter 2000, Chandra 2005). In summary, although additional studies are required to fully establish its clinical significance, the p.Gly231GlufsX7 variant is likely pathogenic.

Literature cited by the submitters: PubMed 12649160 (cited by Labcorp Genetics (formerly Invitae), Labcorp); PubMed 11063725 (cited by Labcorp Genetics (formerly Invitae), Labcorp); PubMed 15262960 (cited by Labcorp Genetics (formerly Invitae), Labcorp); PubMed 17082180 (cited by Labcorp Genetics (formerly Invitae), Labcorp); PubMed 16084127 (cited by Laboratory for Molecular Medicine, Mass General Brigham Personalized Medicine); PubMed 10615118 (cited by Laboratory for Molecular Medicine, Mass General Brigham Personalized Medicine).